The following is an entry in ClinVar:

NM_000092.5(COL4A4):c.1100G>C (p.Gly367Ala)

Gene: COL4A4 (collagen type IV alpha 4 chain; minus strand). Cytogenetic location: 2q36.3.
Variant type: single nucleotide variant.
Coding change: c.1100G>C on transcript NM_000092.5 (MANE Select); coding-DNA position 1100, G replaced by C.
Protein change: p.Gly367Ala; replaces glycine 367 with alanine.
Molecular consequence: missense variant.
Genome position (GRCh38, 1-based): chr2:227,098,798, C>G on the plus strand (G>C on the coding strand, the complement: COL4A4 is on the minus strand). VCF-style: chr2-227098798-C-G. GRCh37 (hg19) VCF-style: chr2-227963514-C-G.
Other names: short protein forms G367A.
Identifiers: ClinVar variation 3384786 (VCV003384786.1).

ClinVar aggregate classification (germline): Uncertain significance (1 of 4 stars; one submission).

Submission:

Women's Health and Genetics/Laboratory Corporation of America, LabCorp
Classification: Uncertain significance. Last evaluated: 2024-10-10. Review status: criteria provided, single submitter. Criteria: LabCorp Variant Classification Summary - May 2015. Collection method: clinical testing. Allele origin: germline.
Comment: Variant summary: COL4A4 c.1100G>C (p.Gly367Ala) results in a non-conservative amino acid change in the encoded protein sequence. Five of five in-silico tools predict a damaging effect of the variant on protein function. Several computational tools predict a significant impact on normal splicing: Three predict the variant weakens a 3' acceptor site. One predict the variant no significant impact on splicing. However, these predictions have yet to be confirmed by functional studies. The variant was absent in 247922 control chromosomes. The available data on variant occurrences in the general population are insufficient to allow any conclusion about variant significance. To our knowledge, no occurrence of c.1100G>C in individuals affected with Alport Syndrome, Autosomal Recessive and no experimental evidence demonstrating its impact on protein function have been reported. No submitters have cited clinical-significance assessments for this variant to ClinVar. Based on the evidence outlined above, the variant was classified as uncertain significance.